The following is an entry in ClinVar:

NM_001163435.3(TBCK):c.2078G>A (p.Cys693Tyr)

Gene: TBCK (TBC1 domain containing kinase; minus strand). Cytogenetic location: 4q24.
Variant type: single nucleotide variant.
Coding change: c.2078G>A on transcript NM_001163435.3 (MANE Select); coding-DNA position 2078, G replaced by A.
Protein change: p.Cys693Tyr; replaces cysteine 693 with tyrosine.
Molecular consequence: missense variant.
Genome position (GRCh38, 1-based): chr4:106,171,252, C>T on the plus strand (G>A on the coding strand, the complement: TBCK is on the minus strand). VCF-style: chr4-106171252-C-T. GRCh37 (hg19) VCF-style: chr4-107092409-C-T.
Other names: c.2078G>A, p.Cys693Tyr (NM_001163436.4); c.1961G>A, p.Cys654Tyr (NM_001163437.3); c.1562G>A, p.Cys521Tyr (NM_001290768.2); c.1889G>A, p.Cys630Tyr (NM_033115.5); short protein forms C521Y, C630Y, C654Y, C693Y.
Identifiers: ClinVar variation 1716883 (VCV001716883.5), dbSNP rs2476656322, ClinGen allele CA357819668.

ClinVar aggregate classification (germline): Uncertain significance (1 of 4 stars; one submission).

Allele frequency attached by ClinVar (database versions not stated): gnomAD exomes below 0.00001.
gnomAD v4.1: 1 of 1,606,966 alleles (0.000062%); highest among the groups gnomAD compares: Non-Finnish European, 0.000085%; no homozygotes.

Submission:

Labcorp Genetics (formerly Invitae), Labcorp
Classification: Uncertain significance. Last evaluated: 2022-08-19. Review status: criteria provided, single submitter. Criteria: Invitae Variant Classification Sherloc (09022015). Collection method: clinical testing. Allele origin: germline.
Comment: This sequence change replaces cysteine, which is neutral and slightly polar, with tyrosine, which is neutral and polar, at codon 693 of the TBCK protein (p.Cys693Tyr). This variant is not present in population databases (gnomAD no frequency). This variant has not been reported in the literature in individuals affected with TBCK-related conditions. Algorithms developed to predict the effect of missense changes on protein structure and function are either unavailable or do not agree on the potential impact of this missense change (SIFT: "Deleterious"; PolyPhen-2: "Probably Damaging"; Align-GVGD: "Class C0"). In summary, the available evidence is currently insufficient to determine the role of this variant in disease. Therefore, it has been classified as a Variant of Uncertain Significance.